The following is an entry in ClinVar:

ClinVar aggregate classification (germline): Uncertain significance (1 of 4 stars; one submission).

Conditions:
Hereditary breast ovarian cancer syndrome. Also called: Hereditary breast and ovarian cancer syndrome; Hereditary breast and ovarian cancer syndrome (HBOC); BRCA1- and BRCA2-Associated Hereditary Breast and Ovarian Cancer; Hereditary breast and ovarian cancer; Breast and ovarian cancer; Hereditary breast and/or ovarian cancer syndrome. Identifiers: Orphanet 145, MedGen C0677776, MeSH D061325, MONDO:0003582. Disease mechanism: loss of function.

Submission:

Labcorp Genetics (formerly Invitae), Labcorp
Classification: Uncertain significance for Hereditary breast ovarian cancer syndrome. Last evaluated: 2024-06-12. Review status: criteria provided, single submitter. Criteria: Invitae Variant Classification Sherloc (09022015). Collection method: clinical testing. Allele origin: germline.
Comment: This sequence change replaces histidine, which is basic and polar, with arginine, which is basic and polar, at codon 3185 of the BRCA2 protein (p.His3185Arg). This variant is not present in population databases (gnomAD no frequency). This variant has not been reported in the literature in individuals affected with BRCA2-related conditions. Advanced modeling of protein sequence and biophysical properties (such as structural, functional, and spatial information, amino acid conservation, physicochemical variation, residue mobility, and thermodynamic stability) performed at Invitae indicates that this missense variant is not expected to disrupt BRCA2 protein function with a negative predictive value of 95%. In summary, the available evidence is currently insufficient to determine the role of this variant in disease. Therefore, it has been classified as a Variant of Uncertain Significance.

NM_000059.4(BRCA2):c.9554A>G (p.His3185Arg)

Gene: BRCA2 (BRCA2 DNA repair associated; plus strand). Cytogenetic location: 13q13.1.
Variant type: single nucleotide variant.
Coding change: c.9554A>G on transcript NM_000059.4 (MANE Select); coding-DNA position 9554, A replaced by G.
Protein change: p.His3185Arg; replaces histidine 3185 with arginine.
Molecular consequence: missense variant. On other transcripts: non-coding transcript variant (1).
Genome position (GRCh38, 1-based): chr13:32,396,950, A>G. VCF-style: chr13-32396950-A-G. GRCh37 (hg19) VCF-style: chr13-32971087-A-G.
Other names: c.9458A>G, p.His3153Arg (NM_001406719.1); c.9503A>G, p.His3168Arg (NM_001406720.1); c.4622A>G, p.His1541Arg (NM_001406721.1); c.3137A>G, p.His1046Arg (NM_001406722.1); c.9554A>G, p.His3185Arg (NM_001432077.1); short protein forms H1541R, H3153R, H1046R, H3185R, H3168R.
Identifiers: ClinVar variation 3636565 (VCV003636565.2).